The following is an entry in ClinVar:

ClinVar aggregate classification (germline): Uncertain significance (1 of 4 stars; one submission).

Submission:

Labcorp Genetics (formerly Invitae), Labcorp
Classification: Uncertain significance. Last evaluated: 2025-04-29. Review status: criteria provided, single submitter. Criteria: Invitae Variant Classification Sherloc (09022015). Collection method: clinical testing. Allele origin: germline.
Comment: This sequence change replaces lysine, which is basic and polar, with asparagine, which is neutral and polar, at codon 707 of the CSF1R protein (p.Lys707Asn). This variant is not present in population databases (gnomAD no frequency). This variant has not been reported in the literature in individuals affected with CSF1R-related conditions. Invitae Evidence Modeling of protein sequence and biophysical properties (such as structural, functional, and spatial information, amino acid conservation, physicochemical variation, residue mobility, and thermodynamic stability) indicates that this missense variant is not expected to disrupt CSF1R protein function with a negative predictive value of 95%. In summary, the available evidence is currently insufficient to determine the role of this variant in disease. Therefore, it has been classified as a Variant of Uncertain Significance.

NM_001288705.3(CSF1R):c.2121A>C (p.Lys707Asn)

Gene: CSF1R (colony stimulating factor 1 receptor; minus strand). Cytogenetic location: 5q32.
Variant type: single nucleotide variant.
Coding change: c.2121A>C on transcript NM_001288705.3 (MANE Select); coding-DNA position 2121, A replaced by C.
Protein change: p.Lys707Asn; replaces lysine 707 with asparagine.
Molecular consequence: missense variant.
Genome position (GRCh38, 1-based): chr5:150,059,711, T>G on the plus strand (A>C on the coding strand, the complement: CSF1R is on the minus strand). VCF-style: chr5-150059711-T-G. GRCh37 (hg19) VCF-style: chr5-149439274-T-G.
Other names: c.2121A>C, p.Lys707Asn (NM_001349736.2, NM_001375320.1, NM_005211.4); c.1677A>C, p.Lys559Asn (NM_001375321.1); short protein forms K559N, K707N.
Identifiers: ClinVar variation 4801556 (VCV004801556.1).